The following is an entry in ClinVar:

ClinVar aggregate classification (germline): Uncertain significance (1 of 4 stars; one submission).

Conditions:
BBS1-related disorder. Also called: BBS1-related condition.

Submission:

PreventionGenetics, part of Exact Sciences
Classification: Uncertain significance for BBS1-related condition. Last evaluated: 2024-12-18. Review status: criteria provided, single submitter. Criteria: ACMG Guidelines, 2015. Collection method: clinical testing. Allele origin: germline.
Comment: The BBS1 c.1340-7_1340-5delTCC variant is predicted to result in an intronic deletion. This variant is predicted to weaken the canonical splice acceptor site (SpliceAI, Jaganathan et al. 2019. PubMed ID: 30661751). To our knowledge, this variant has not been reported in the literature or in a large population database (gnomAD), indicating this variant is rare. At this time, the clinical significance of this variant is uncertain due to the absence of conclusive functional and genetic evidence.

NM_024649.5(BBS1):c.1340-7_1340-5del

Genes: BBS1 (Bardet-Biedl syndrome 1; plus strand), ZDHHC24 (zDHHC palmitoyltransferase 24; minus strand). Cytogenetic location: 11q13.2.
Variant type: Deletion.
Coding change: c.1340-7_1340-5del on transcript NM_024649.5 (MANE Select); 7 bases into the intron before coding-DNA position 1340 through 5 bases into the intron before coding-DNA position 1340, 3 bases deleted (TCC; older notation c.1340-7_1340-5delTCC).
Molecular consequence: intron variant.
Genome position (GRCh38, 1-based): chr11:66,529,812-66,529,814, TCC deleted; deleting any 3 consecutive bases within chr11:66,529,811-66,529,814 gives the same sequence; the c. name uses the placement nearest the transcript's 3' end. VCF-style (leftmost placement, unchanged base first): chr11-66529810-TCTC-T. GRCh37 (hg19) VCF-style: chr11-66297281-TCTC-T.
Other names: c.560-325_560-323del (NM_001348571.2).
Identifiers: ClinVar variation 4999288 (VCV004999288.1).